The following is an entry in ClinVar:

NM_001382241.1(TNPO2):c.772T>G (p.Tyr258Asp)

Gene: TNPO2 (transportin 2; minus strand). Cytogenetic location: 19p13.13.
Variant type: single nucleotide variant.
Coding change: c.772T>G on transcript NM_001382241.1 (MANE Select); coding-DNA position 772, T replaced by G.
Protein change: p.Tyr258Asp; replaces tyrosine 258 with aspartic acid.
Molecular consequence: missense variant. On other transcripts: non-coding transcript variant (6).
Genome position (GRCh38, 1-based): chr19:12,714,939, A>C on the plus strand (T>G on the coding strand, the complement: TNPO2 is on the minus strand). VCF-style: chr19-12714939-A-C. GRCh37 (hg19) VCF-style: chr19-12825753-A-C.
Other names: c.772T>G, p.Tyr258Asp (NM_001136195.2, NM_001136196.2, NM_001382236.1 and 7 more transcripts); short protein forms Y258D.
Identifiers: ClinVar variation 5009076 (VCV005009076.1).
Genomic context (GRCh38, chr19:12,714,939, plus strand): 5'-AGAACTCACAGGCCTCAAGGGCAACGTTCTCATCATGGTCCTGGGTCCTCTGCAGCATGT[A>C]CTGTGGTAGGGGGGAGAAGCTGAGGCCTGGCCTGGCTGGGGGTGGCTCCCTGACCCCTGC-3'
Protein context (NP_001369170.1, residues 248-268): LIPHMHSIIQ[Tyr258Asp]MLQRTQDHDE

ClinVar aggregate classification (germline): Uncertain significance (1 of 4 stars; one submission).

Submission:

GeneDx
Classification: Uncertain significance. Last evaluated: 2026-03-14. Review status: criteria provided, single submitter. Criteria: GeneDx Variant Classification Process June 2021. Collection method: clinical testing. Allele origin: germline.
Comment: Not observed at significant frequency in large population cohorts (gnomAD); In silico analysis supports that this missense variant has a deleterious effect on protein structure/function; Has not been previously published as pathogenic or benign to our knowledge